The following is an entry in ClinVar:

ClinVar aggregate classification (germline): Uncertain significance (1 of 4 stars; one submission).

Conditions:
Autosomal recessive limb-girdle muscular dystrophy type 2O. Also called: Limb-Girdle Muscular Dystrophy Type 3C; MUSCULAR DYSTROPHY-DYSTROGLYCANOPATHY (LIMB-GIRDLE), TYPE C, 3; MUSCULAR DYSTROPHY-DYSTROGLYCANOPATHY, LIMB-GIRDLE, POMGNT1-RELATED. Identifiers: Orphanet 206564, MedGen C3150417, MONDO:0013161, OMIM 613157.
Muscular dystrophy-dystroglycanopathy (congenital with impaired intellectual development), type B, 3. Also called: MUSCULAR DYSTROPHY, CONGENITAL, POMGNT1-RELATED; Muscular dystrophy-dystroglycanopathy (congenital with intellectual disability), type B3. Identifiers: MedGen C3150412, MONDO:0013155, OMIM 613151.

Submission:

Labcorp Genetics (formerly Invitae), Labcorp
Classification: Uncertain significance for Autosomal recessive limb-girdle muscular dystrophy type 2O; Muscular dystrophy-dystroglycanopathy (congenital with impaired intellectual development), type B, 3. Last evaluated: 2022-02-03. Review status: criteria provided, single submitter. Criteria: Invitae Variant Classification Sherloc (09022015). Collection method: clinical testing. Allele origin: germline.
Comment: This sequence change replaces serine, which is neutral and polar, with proline, which is neutral and non-polar, at codon 565 of the POMGNT1 protein (p.Ser565Pro). In summary, the available evidence is currently insufficient to determine the role of this variant in disease. Therefore, it has been classified as a Variant of Uncertain Significance. Advanced modeling of protein sequence and biophysical properties (such as structural, functional, and spatial information, amino acid conservation, physicochemical variation, residue mobility, and thermodynamic stability) performed at Invitae indicates that this missense variant is not expected to disrupt POMGNT1 protein function. ClinVar contains an entry for this variant (Variation ID: 1036843). This variant has not been reported in the literature in individuals affected with POMGNT1-related conditions. This variant is not present in population databases (gnomAD no frequency).

NM_017739.4(POMGNT1):c.1693T>C (p.Ser565Pro)

Genes: POMGNT1 (protein O-linked mannose N-acetylglucosaminyltransferase 1 (beta 1,2-); minus strand), TSPAN1 (tetraspanin 1; plus strand). Cytogenetic location: 1p34.1.
Variant type: single nucleotide variant.
Coding change: c.1693T>C on transcript NM_017739.4 (MANE Select); coding-DNA position 1693, T replaced by C.
Protein change: p.Ser565Pro; replaces serine 565 with proline.
Molecular consequence: missense variant.
Genome position (GRCh38, 1-based): chr1:46,189,946, A>G on the plus strand (T>C on the coding strand, the complement: POMGNT1 is on the minus strand). VCF-style: chr1-46189946-A-G. GRCh37 (hg19) VCF-style: chr1-46655618-A-G.
Other names: c.1693T>C, p.Ser565Pro (NM_001243766.2, NM_001410783.1); c.1627T>C, p.Ser543Pro (NM_001290129.3); c.1264T>C, p.Ser422Pro (NM_001290130.2); short protein forms S422P, S543P, S565P.
Identifiers: ClinVar variation 1036843 (VCV001036843.9), dbSNP rs753688195, ClinGen allele CA340171503.